The following is an entry in ClinVar:

ClinVar aggregate classification (germline): Uncertain significance (1 of 4 stars; one submission).

gnomAD v4.1: 1 of 1,614,072 alleles (0.000062%); highest among the groups gnomAD compares: Non-Finnish European, 0.000085%; no homozygotes.

Submission:

Labcorp Genetics (formerly Invitae), Labcorp
Classification: Uncertain significance. Last evaluated: 2025-06-25. Review status: criteria provided, single submitter. Criteria: Invitae Variant Classification Sherloc (09022015). Collection method: clinical testing. Allele origin: germline.
Comment: This sequence change replaces aspartic acid, which is acidic and polar, with valine, which is neutral and non-polar, at codon 486 of the BUB1 protein (p.Asp486Val). This variant is not present in population databases (gnomAD no frequency). This variant has not been reported in the literature in individuals affected with BUB1-related conditions. Experimental studies and prediction algorithms are not available or were not evaluated, and the functional significance of this variant is currently unknown. In summary, the available evidence is currently insufficient to determine the role of this variant in disease. Therefore, it has been classified as a Variant of Uncertain Significance.

NM_004336.5(BUB1):c.1457A>T (p.Asp486Val)

Gene: BUB1 (BUB1 mitotic checkpoint serine/threonine kinase; minus strand). Cytogenetic location: 2q13.
Variant type: single nucleotide variant.
Coding change: c.1457A>T on transcript NM_004336.5 (MANE Select); coding-DNA position 1457, A replaced by T.
Protein change: p.Asp486Val; replaces aspartic acid 486 with valine.
Molecular consequence: missense variant.
Genome position (GRCh38, 1-based): chr2:110,658,469, T>A on the plus strand (A>T on the coding strand, the complement: BUB1 is on the minus strand). VCF-style: chr2-110658469-T-A. GRCh37 (hg19) VCF-style: chr2-111416046-T-A.
Other names: c.1397A>T, p.Asp466Val (NM_001278616.2); c.1457A>T, p.Asp486Val (NM_001278617.2); short protein forms D466V, D486V.
Identifiers: ClinVar variation 4722130 (VCV004722130.1).